The following is an entry in ClinVar:

NM_001330542.2(HEXD):c.632-13G>T

Gene: HEXD (hexosaminidase D; plus strand). Cytogenetic location: 17q25.3.
Variant type: single nucleotide variant.
Coding change: c.632-13G>T on transcript NM_001330542.2 (MANE Select); 13 bases into the intron before coding-DNA position 632, G replaced by T.
Molecular consequence: intron variant.
Genome position (GRCh38, 1-based): chr17:82,436,654, G>T. VCF-style: chr17-82436654-G-T. GRCh37 (hg19) VCF-style: chr17-80394530-G-T.
Other names: c.356-13G>T (NM_001369487.1, NM_001369488.1); c.632-13G>T (NM_173620.3).
Identifiers: ClinVar variation 402934 (VCV000402934.5), dbSNP rs4789777, ClinGen allele CA8857566.

ClinVar aggregate classification (germline): Benign. Review status: criteria provided, multiple submitters, no conflicts (2 of 4 stars). 2 submissions from 2 submitters: Benign (2). Last evaluated 2016-03-29.

Allele frequency attached by ClinVar (database versions not stated): ESP Exome Variant Server 0.30783; TOPMed 0.37982; 1000 Genomes Project 30x 0.48454; 1000 Genomes Project 0.49281.
gnomAD v4.1: 549,093 of 1,600,844 alleles (34%); highest among the groups gnomAD compares: East Asian, 91%; 105,334 homozygotes.

Submissions (2):

Laboratory for Molecular Medicine, Mass General Brigham Personalized Medicine
Classification: Benign. Last evaluated: 2016-03-29. Review status: criteria provided, single submitter. Criteria: LMM Criteria. Collection method: clinical testing. Allele origin: germline.
Comment: Variant identified in a genome or exome case(s) and assessed due to predicted null impact of the variant or pathogenic assertions in the literature or databases. Disclaimer: This variant has not undergone full assessment. The following are preliminary notes: Frequency

Breakthrough Genomics
Classification: Benign. Review status: criteria provided, single submitter. Criteria: ACMG Guidelines, 2015. Collection method: not provided. Allele origin: germline. Inheritance: Unknown mechanism. Affected: yes.